The following is an entry in ClinVar:

ClinVar aggregate classification (germline): Uncertain significance (1 of 4 stars; one submission).

Submission:

GeneDx
Classification: Uncertain significance. Last evaluated: 2023-03-23. Review status: criteria provided, single submitter. Criteria: GeneDx Variant Classification Process June 2021. Collection method: clinical testing. Allele origin: germline. Affected: yes.
Comment: Not observed at significant frequency in large population cohorts (gnomAD); In silico analysis supports that this missense variant has a deleterious effect on protein structure/function; Has not been previously published as pathogenic or benign to our knowledge

NM_002473.6(MYH9):c.497A>G (p.Glu166Gly)

Gene: MYH9 (myosin heavy chain 9; minus strand). Cytogenetic location: 22q12.3.
Variant type: single nucleotide variant.
Coding change: c.497A>G on transcript NM_002473.6 (MANE Select); coding-DNA position 497, A replaced by G.
Protein change: p.Glu166Gly; replaces glutamic acid 166 with glycine.
Molecular consequence: missense variant.
Genome position (GRCh38, 1-based): chr22:36,327,482, T>C on the plus strand (A>G on the coding strand, the complement: MYH9 is on the minus strand). VCF-style: chr22-36327482-T-C. GRCh37 (hg19) VCF-style: chr22-36723527-T-C.
Other names: short protein forms E166G.
Identifiers: ClinVar variation 1878710 (VCV001878710.2), dbSNP rs2518000524, ClinGen allele CA411408354.